The following is an entry in ClinVar:

NM_016038.4(SBDS):c.16C>G (p.Pro6Ala)

Gene: SBDS (SBDS ribosome maturation factor; minus strand). Cytogenetic location: 7q11.21.
Variant type: single nucleotide variant.
Coding change: c.16C>G on transcript NM_016038.4 (MANE Select); coding-DNA position 16, C replaced by G.
Protein change: p.Pro6Ala; replaces proline 6 with alanine.
Molecular consequence: missense variant.
Genome position (GRCh38, 1-based): chr7:66,995,402, G>C on the plus strand (C>G on the coding strand, the complement: SBDS is on the minus strand). VCF-style: chr7-66995402-G-C. GRCh37 (hg19) VCF-style: chr7-66460389-G-C.
Other names: short protein forms P6A.
Identifiers: ClinVar variation 4864066 (VCV004864066.1).

ClinVar aggregate classification (germline): Uncertain significance (1 of 4 stars; one submission).

Conditions:
Inborn genetic diseases. Identifiers: MedGen C0950123, MeSH D030342.

Submission:

Ambry Genetics
Classification: Uncertain significance for Inborn genetic diseases. Last evaluated: 2026-05-16. Review status: criteria provided, single submitter. Criteria: Ambry Variant Classification Scheme 2023. Collection method: clinical testing. Allele origin: germline.
Comment: The p.P6A variant (also known as c.16C>G), located in coding exon 1 of the SBDS gene, results from a C to G substitution at nucleotide position 16. The proline at codon 6 is replaced by alanine, an amino acid with highly similar properties. This amino acid position is conserved. In addition, this alteration is predicted to be deleterious by in silico analysis. Based on the available evidence, the clinical significance of this variant remains unclear.